The following is an entry in ClinVar:

NM_004859.4(CLTC):c.3874-6G>A

Gene: CLTC (clathrin heavy chain; plus strand). Cytogenetic location: 17q23.1.
Variant type: single nucleotide variant.
Coding change: c.3874-6G>A on transcript NM_004859.4 (MANE Select); 6 bases into the intron before coding-DNA position 3874, G replaced by A.
Molecular consequence: intron variant.
Genome position (GRCh38, 1-based): chr17:59,683,089, G>A. VCF-style: chr17-59683089-G-A. GRCh37 (hg19) VCF-style: chr17-57760450-G-A.
Other names: c.3886-6G>A (NM_001288653.2, NM_001288653.1).
Identifiers: ClinVar variation 1542294 (VCV001542294.10), dbSNP rs145756010, ClinGen allele CA8681667.
Genomic context (GRCh38, chr17:59,683,089, plus strand): 5'-TTTATATGACCTGAGATCTTTTACCATAGATATTCTTATCTTTAACTGCACATTTCTCTT[G>A]TTCAGGATCGTGGCTATTTTGAAGAGCTGATCACCATGTTGGAAGCAGCACTGGGACTTG-3'

ClinVar aggregate classification (germline): Benign/Likely benign. Review status: criteria provided, multiple submitters, no conflicts (2 of 4 stars). 3 submissions from 3 submitters: Benign (1); Likely benign (2). Last evaluated 2026-01-22.

Conditions:
CLTC-related disorder. Also called: CLTC-related condition.

Allele frequency attached by ClinVar (database versions not stated): gnomAD exomes 0.00007 and 0.00012; ESP Exome Variant Server 0.00015; ExAC 0.00016; gnomAD 0.00033 and 0.00034; TOPMed 0.00037; 1000 Genomes Project 0.00060; 1000 Genomes Project 30x 0.00062.
gnomAD v4.1: 149 of 1,614,044 alleles (0.0092%); highest among the groups gnomAD compares: African/African-American, 0.11%; no homozygotes.

Submissions (3):

PreventionGenetics, part of Exact Sciences
Classification: Likely benign for CLTC-related condition. Last evaluated: 2026-01-22. Review status: criteria provided, single submitter. Criteria: ACMG Guidelines, 2015. Collection method: clinical testing. Allele origin: germline.
Comment: This variant is classified as likely benign based on ACMG/AMP sequence variant interpretation guidelines (Richards et al. 2015 PMID: 25741868, with internal and published modifications).

Labcorp Genetics (formerly Invitae), Labcorp
Classification: Benign. Last evaluated: 2026-01-11. Review status: criteria provided, single submitter. Criteria: Invitae Variant Classification Sherloc (09022015). Collection method: clinical testing. Allele origin: germline.

Blueprint Genetics
Classification: Likely benign. Last evaluated: 2024-09-05. Review status: criteria provided, single submitter. Criteria: ACMG Guidelines, 2015. Collection method: clinical testing. Allele origin: germline.